The following is an entry in ClinVar:

ClinVar aggregate classification (germline): Benign. Review status: criteria provided, multiple submitters, no conflicts (2 of 4 stars). 2 submissions from 2 submitters: Benign (2). Last evaluated 2026-06-04.

Allele frequency attached by ClinVar (database versions not stated): gnomAD 0.00189 and 0.00202; 1000 Genomes Project 30x 0.00166; ESP Exome Variant Server 0.00185; TOPMed 0.00221.
gnomAD v4.1: 530 of 1,612,316 alleles (0.033%); highest among the groups gnomAD compares: African/African-American, 0.64%; 8 homozygotes.

Submissions (2):

Women's Health and Genetics/Laboratory Corporation of America, LabCorp
Classification: Benign. Last evaluated: 2026-06-04. Review status: criteria provided, single submitter. Criteria: LabCorp Variant Classification Summary - May 2015. Collection method: clinical testing. Allele origin: germline.
Comment: Variant summary: SHOX c.-19G>C is located in the untranslated mRNA region upstream of the initiation codon. The variant allele was found at a frequency of 0.00051 in 248958 control chromosomes, predominantly at a frequency of 0.0072 within the African or African-American subpopulation in the gnomAD database, including 1 homozygotes. The observed variant frequency within African or African-American control individuals in the gnomAD database exceeds the estimated maximal expected allele frequency for disease-causing variants in SHOX. To our knowledge, no occurrence of c.-19G>C in individuals affected with SHOX-related conditions and no experimental evidence demonstrating its impact on protein function have been reported. ClinVar contains an entry for this variant (Variation ID: 448372). Based on the evidence outlined above, the variant was classified as benign.

Athena Diagnostics
Classification: Benign. Last evaluated: 2016-10-28. Review status: criteria provided, single submitter. Criteria: Athena Diagnostics Criteria. Collection method: clinical testing. Allele origin: germline.

NM_000451.4(SHOX):c.-19G>C

Gene: SHOX (SHOX homeobox; plus strand). Cytogenetic location: Yp11.2.
Variant type: single nucleotide variant.
Coding change: c.-19G>C on transcript NM_000451.4 (MANE Select); 19 bases upstream of the start codon, G replaced by C.
Molecular consequence: 5 prime UTR variant.
Genome position (GRCh38, 1-based): chrX:630,879, G>C. VCF-style: chrX-630879-G-C. GRCh37 (hg19) VCF-style: chrX-591614-G-C.
Other names: c.-19G>C (NM_006883.2).
Identifiers: ClinVar variation 448372 (VCV000448372.2), dbSNP rs201157428, ClinGen allele CA10329818.
Genomic context (GRCh38, chrX:630,879, plus strand): 5'-CGCGCACGGGCCGTCCTCTCCGCGCGGGGAGACGCGCGCATCCACCAGCCCCGGCTGCTC[G>C]CCAGCCCCGGCCCCAGCCATGGAAGAGCTCACGGCTTTTGTATCCAAGTCTTTTGACCAG-3'